The following is an entry in ClinVar:

NM_005477.3(HCN4):c.2069A>G (p.Asn690Ser)

Gene: HCN4 (hyperpolarization activated cyclic nucleotide gated potassium channel 4; minus strand). Cytogenetic location: 15q24.1.
Variant type: single nucleotide variant.
Coding change: c.2069A>G on transcript NM_005477.3 (MANE Select); coding-DNA position 2069, A replaced by G.
Protein change: p.Asn690Ser; replaces asparagine 690 with serine.
Molecular consequence: missense variant.
Genome position (GRCh38, 1-based): chr15:73,324,163, T>C on the plus strand (A>G on the coding strand, the complement: HCN4 is on the minus strand). VCF-style: chr15-73324163-T-C. GRCh37 (hg19) VCF-style: chr15-73616504-T-C.
Other names: short protein forms N690S.
Identifiers: ClinVar variation 1206570 (VCV001206570.12), dbSNP rs776033369, ClinGen allele CA7649128.

ClinVar aggregate classification (germline): Uncertain significance. Review status: criteria provided, multiple submitters, no conflicts (2 of 4 stars). 3 submissions from 3 submitters: Uncertain significance (3). Last evaluated 2025-12-29.

Conditions:
Brugada syndrome 8 (BRGDA8). Identifiers: Orphanet 130, MedGen C2751083, MONDO:0013148, OMIM 613123.
Cardiovascular phenotype. Identifiers: MedGen CN230736.

Allele frequency attached by ClinVar (database versions not stated): ExAC 0.00001; gnomAD exomes 0.00002; gnomAD 0.00003 and 0.00004; TOPMed 0.00007.
gnomAD v4.1: 31 of 1,613,840 alleles (0.0019%); highest among the groups gnomAD compares: Middle Eastern, 0.017%; no homozygotes.

Submissions (3):

Labcorp Genetics (formerly Invitae), Labcorp
Classification: Uncertain significance for Brugada syndrome 8. Last evaluated: 2025-12-29. Review status: criteria provided, single submitter. Criteria: Invitae Variant Classification Sherloc (09022015). Collection method: clinical testing. Allele origin: germline.
Comment: This sequence change replaces asparagine, which is neutral and polar, with serine, which is neutral and polar, at codon 690 of the HCN4 protein (p.Asn690Ser). This variant is present in population databases (rs776033369, gnomAD 0.01%). This missense change has been observed in individual(s) with atrial fibrillation (PMID: 28254189). ClinVar contains an entry for this variant (Variation ID: 1206570). Invitae Evidence Modeling of protein sequence and biophysical properties (such as structural, functional, and spatial information, amino acid conservation, physicochemical variation, residue mobility, and thermodynamic stability) indicates that this missense variant is expected to disrupt HCN4 protein function with a positive predictive value of 95%. In summary, the available evidence is currently insufficient to determine the role of this variant in disease. Therefore, it has been classified as a Variant of Uncertain Significance.

Ambry Genetics
Classification: Uncertain significance for Cardiovascular phenotype. Last evaluated: 2024-06-18. Review status: criteria provided, single submitter. Criteria: Ambry Variant Classification Scheme 2023. Collection method: clinical testing. Allele origin: germline.
Comment: The p.N690S variant (also known as c.2069A>G), located in coding exon 7 of the HCN4 gene, results from an A to G substitution at nucleotide position 2069. The asparagine at codon 690 is replaced by serine, an amino acid with highly similar properties. This variant has been reported in a stillbirth cohort, a cardiomyopathy cohort and a cardiovascular cohort (Sahlin E et al. PLoS One, 2019 Jan;14:e0210017; Fernandez-Falgueras A et al. PLoS One, 2024 May;19:e0297914; Akinrinade O et al. J Cardiovasc Transl Res, 2023 Dec;16:1287-1302). This amino acid position is highly conserved in available vertebrate species. In addition, the in silico prediction for this alteration is inconclusive. Based on the available evidence, the clinical significance of this variant remains unclear.

GeneDx
Classification: Uncertain significance. Last evaluated: 2021-05-03. Review status: criteria provided, single submitter. Criteria: GeneDx Variant Classification Process June 2021. Collection method: clinical testing. Allele origin: germline. Affected: yes.
Comment: Has not been previously published as pathogenic or benign to our knowledge; In silico analysis supports that this missense variant has a deleterious effect on protein structure/function

Literature cited by the submitters: PubMed 28254189 (cited by Labcorp Genetics (formerly Invitae), Labcorp); PubMed 30615648 (cited by Ambry Genetics); PubMed 37477868 (cited by Ambry Genetics); PubMed 38691546 (cited by Ambry Genetics).